The following is an entry in ClinVar:

ClinVar aggregate classification (germline): Pathogenic (1 of 4 stars; one submission).

Conditions:
Ehlers-Danlos syndrome, classic type, 1 (EDSCL1). Also called: EHLERS-DANLOS SYNDROME, GRAVIS TYPE; EHLERS-DANLOS SYNDROME, SEVERE CLASSIC TYPE; Ehlers-Danlos Syndrome, Classic Type, COL5A1-Related; EDS I; Ehlers-Danlos syndrome, type 1. Identifiers: MedGen C0268335, MONDO:0019567, OMIM 130000.

Submission:

Labcorp Genetics (formerly Invitae), Labcorp
Classification: Pathogenic for Ehlers-Danlos syndrome, classic type, 1. Last evaluated: 2016-11-14. Review status: criteria provided, single submitter. Criteria: Invitae Variant Classification Sherloc (09022015). Collection method: clinical testing. Allele origin: germline.
Comment: This sequence change deletes 1 nucleotide from exon 54 of the COL5A1 mRNA (c.4203delA), causing a frameshift at codon 1402. This creates a premature translational stop signal (p.Gly1402Alafs*86) and is expected to result in an absent or disrupted protein product. While this particular variant has not been reported in the literature, truncating variants in COL5A1 are known to be pathogenic (PMID: 23587214). For these reasons, this variant has been classified as Pathogenic.

Literature cited by the submitters: PubMed 23587214.

NM_000093.5(COL5A1):c.4203del (p.Gly1402fs)

Gene: COL5A1 (collagen type V alpha 1 chain; plus strand). Cytogenetic location: 9q34.3.
Variant type: Deletion.
Coding change: c.4203del on transcript NM_000093.5 (MANE Select); coding-DNA position 4203, one base deleted (A; older notation c.4203delA).
Protein change: p.Gly1402fs; shifts the reading frame from glycine 1402.
Molecular consequence: frameshift variant.
Genome position (GRCh38, 1-based): chr9:134,817,804, A deleted; the last of 2 consecutive A bases (chr9:134,817,803-134,817,804); deleting either gives the same sequence. VCF-style (leftmost placement, unchanged base first): chr9-134817802-GA-G. GRCh37 (hg19) VCF-style: chr9-137709648-GA-G.
Other names: c.4203delA (NM_000093.4); c.4203del, p.Gly1402fs (NM_001278074.1); short protein forms G1402fs.
Identifiers: ClinVar variation 409107 (VCV000409107.8), dbSNP rs1060502255, ClinGen allele CA16612527.